The following is an entry in ClinVar:

NM_000264.5(PTCH1):c.2177C>G (p.Pro726Arg)

Genes: PTCH1 (patched 1; minus strand), LOC100507346 (uncharacterized LOC100507346; plus strand). Cytogenetic location: 9q22.32.
Variant type: single nucleotide variant.
Coding change: c.2177C>G on transcript NM_000264.5 (MANE Select); coding-DNA position 2177, C replaced by G.
Protein change: p.Pro726Arg; replaces proline 726 with arginine.
Molecular consequence: missense variant. On other transcripts: non-coding transcript variant (2).
Genome position (GRCh38, 1-based): chr9:95,468,824, G>C on the plus strand (C>G on the coding strand, the complement: PTCH1 is on the minus strand). VCF-style: chr9-95468824-G-C. GRCh37 (hg19) VCF-style: chr9-98231106-G-C.
Other names: c.2177C>G (NM_000264.4); c.1979C>G, p.Pro660Arg (NM_001083602.3); c.2174C>G, p.Pro725Arg (NM_001083603.3); c.1724C>G, p.Pro575Arg (NM_001083604.3, NM_001083605.3, NM_001083606.3 and 1 more transcripts); c.2021C>G, p.Pro674Arg (NM_001354918.2); short protein forms P660R, P726R, P674R, P575R, P725R.
Identifiers: ClinVar variation 135877 (VCV000135877.41), dbSNP rs587780697, ClinGen allele CA332483.

ClinVar aggregate classification (germline): Conflicting classifications of pathogenicity. Review status: criteria provided, conflicting classifications (1 of 4 stars). 9 submissions from 8 submitters: Uncertain significance (1); Benign (2); Likely benign (5). 1 of the submissions does not count toward it. Last evaluated 2026-01-28.

Conditions:
Hereditary cancer-predisposing syndrome. Also called: Tumor predisposition; Hereditary neoplastic syndrome; Hereditary Cancer Syndrome; Neoplastic Syndromes, Hereditary. Identifiers: Orphanet 140162, MedGen C0027672, MeSH D009386, MONDO:0015356.
Holoprosencephaly 7 (HPE7). Identifiers: Orphanet 2162, MedGen C1835820, MONDO:0012562, OMIM 610828.
Gorlin syndrome. Also called: Basal cell nevus syndrome; Nevoid Basal Cell Carcinoma Syndrome. Identifiers: Orphanet 377, MedGen C0004779, MONDO:0007187.
PTCH1-related disorder. Also called: PTCH1-related disorders; PTCH1-related condition.

Allele frequency attached by ClinVar (database versions not stated): gnomAD 0.00010 and 0.00011; TOPMed 0.00012.
gnomAD v4.1: 153 of 1,614,022 alleles (0.0095%); highest among the groups gnomAD compares: African/African-American, 0.0027%; no homozygotes.

Submissions (9):

Labcorp Genetics (formerly Invitae), Labcorp
Classification: Benign for Gorlin syndrome. Last evaluated: 2026-01-28. Review status: criteria provided, single submitter. Criteria: Invitae Variant Classification Sherloc (09022015). Collection method: clinical testing. Allele origin: germline.

Blueprint Genetics
Classification: Likely benign. Last evaluated: 2024-11-14. Review status: criteria provided, single submitter. Criteria: ACMG Guidelines, 2015. Collection method: clinical testing. Allele origin: germline.

CeGaT Center for Human Genetics Tuebingen
Classification: Likely benign. Last evaluated: 2024-07-01. Review status: criteria provided, single submitter. Criteria: CeGaT Center For Human Genetics Tuebingen Variant Classification Criteria Version 2. Collection method: clinical testing. Allele origin: germline. Affected: yes. Observed: 1 variant allele.
Comment: PTCH1: BS1

Quest Diagnostics Nichols Institute San Juan Capistrano
Classification: Benign. Last evaluated: 2022-10-11. Review status: criteria provided, single submitter. Criteria: Quest Diagnostics criteria. Collection method: clinical testing. Allele origin: unknown.

Sema4
Classification: Likely benign for Hereditary cancer-predisposing syndrome. Last evaluated: 2021-05-18. Review status: criteria provided, single submitter. Criteria: Sema4 Curation Guidelines. Collection method: curation. Allele origin: germline.

Ambry Genetics
Classification: Likely benign for Hereditary cancer-predisposing syndrome. Last evaluated: 2018-06-01. Review status: criteria provided, single submitter. Criteria: Ambry Variant Classification Scheme 2023. Collection method: clinical testing. Allele origin: germline.

Illumina Laboratory Services, Illumina
Classification: Uncertain significance for Holoprosencephaly 7. Last evaluated: 2018-01-13. Review status: criteria provided, single submitter. Criteria: ICSL Variant Classification Criteria 13 December 2019. Collection method: clinical testing. Allele origin: germline.

Illumina Laboratory Services, Illumina
Classification: Likely benign for Basal cell nevus syndrome 1. Last evaluated: 2018-01-13. Review status: criteria provided, single submitter. Criteria: ICSL Variant Classification Criteria 13 December 2019. Collection method: clinical testing. Allele origin: germline.
Comment: This variant was observed in the ICSL laboratory as part of a predisposition screen in an ostensibly healthy population. It had not been previously curated by ICSL or reported in the Human Gene Mutation Database (HGMD: prior to June 1st, 2018), and was therefore a candidate for classification through an automated scoring system. Utilizing variant allele frequency, disease prevalence and penetrance estimates, and inheritance mode, an automated score was calculated to assess if this variant is too frequent to cause the disease. Based on the score and internal cut-off values, a variant classified as likely benign is not then subjected to further curation. The score for this variant resulted in a classification of likely benign for this disease.

PreventionGenetics, part of Exact Sciences
Classification: Likely benign for PTCH1-related condition. Last evaluated: 2021-05-25. Review status: no assertion criteria provided. Collection method: clinical testing. Allele origin: germline. Not counted in ClinVar's aggregate classification.
Comment: This variant is classified as likely benign based on ACMG/AMP sequence variant interpretation guidelines (Richards et al. 2015 PMID: 25741868, with internal and published modifications).

Literature cited by the submitters: PubMed 28873162 (cited by Quest Diagnostics Nichols Institute San Juan Capistrano and Sema4); PubMed 29992659 (cited by Quest Diagnostics Nichols Institute San Juan Capistrano); PubMed 29212164 (cited by Quest Diagnostics Nichols Institute San Juan Capistrano); PubMed 27153395 (cited by Quest Diagnostics Nichols Institute San Juan Capistrano).